The following is an entry in ClinVar:

ClinVar aggregate classification (germline): Pathogenic (1 of 4 stars; one submission).

Allele frequency attached by ClinVar (database versions not stated): TOPMed below 0.00001; gnomAD exomes 0.00001.
gnomAD v4.1: 19 of 1,614,178 alleles (0.0012%); highest among the groups gnomAD compares: Non-Finnish European, 0.0015%; no homozygotes.

Submission:

GeneDx
Classification: Pathogenic. Last evaluated: 2018-06-15. Review status: criteria provided, single submitter. Criteria: GeneDx Variant Classification (06012015). Collection method: clinical testing. Allele origin: germline. Affected: yes.
Comment: The Q132X variant in the COASY gene has not been reported previously as a pathogenic variant nor as a benign variant, to our knowledge. This variant is predicted to cause loss of normal protein function either through protein truncation or nonsense-mediated mRNA decay. The Q132X variant is not observed in large population cohorts (Lek et al., 2016). We interpret Q132X as a pathogenic variant.

NM_025233.7(COASY):c.394C>T (p.Gln132Ter)

Gene: COASY (Coenzyme A synthase; plus strand). Cytogenetic location: 17q21.2.
Variant type: single nucleotide variant.
Coding change: c.394C>T on transcript NM_025233.7 (MANE Select); coding-DNA position 394, C replaced by T.
Protein change: p.Gln132Ter; replaces glutamine 132 with a stop codon.
Molecular consequence: nonsense.
Genome position (GRCh38, 1-based): chr17:42,563,016, C>T. VCF-style: chr17-42563016-C-T. GRCh37 (hg19) VCF-style: chr17-40715034-C-T.
Other names: c.394C>T, p.Gln132Ter (NM_001042529.3); c.481C>T, p.Gln161Ter (NM_001042532.4); short protein forms Q132*, Q161*.
Identifiers: ClinVar variation 620212 (VCV000620212.1), dbSNP rs1567903711, ClinGen allele CA399617783.